The following is an entry in ClinVar:

ClinVar aggregate classification (germline): Pathogenic (1 of 4 stars; one submission).

Conditions:
Asphyxiating thoracic dystrophy 3. Also called: SHORT-RIB THORACIC DYSPLASIA 3 WITH OR WITHOUT POLYDACTYLY; POLYDACTYLY WITH NEONATAL CHONDRODYSTROPHY, TYPE I; SHORT-RIB THORACIC DYSPLASIA 3/6 WITH POLYDACTYLY, DIGENIC; Short rib polydactyly syndrome 2B; Saldino-Noonan Syndrome. Identifiers: Orphanet 474, Orphanet 93269, Orphanet 93270, Orphanet 93271, MedGen C0036069, MONDO:0013127, OMIM 613091.

Submission:

Myriad Genetics, Inc.
Classification: Pathogenic for Asphyxiating thoracic dystrophy 3. Last evaluated: 2025-12-11. Review status: criteria provided, single submitter. Criteria: Myriad Autosomal Dominant, Autosomal Recessive and X-Linked Classification Criteria (2023). Collection method: clinical testing. Allele origin: unknown.
Comment: NM_001377.2(DYNC2H1):c.1158_1159dupTC(Q387Lfs*14) is expected to be pathogenic in the context of DYNC2H1-related disorders. This variant is predicted to lead to an abnormal or absent protein product due to the creation of a premature termination codon in DYNC2H1, a gene where loss-of-function variants are known to be pathogenic. Please note: this variant was assessed in the context of healthy population screening.

NM_001377.3(DYNC2H1):c.1158_1159dup (p.Gln387fs)

Gene: DYNC2H1 (dynein cytoplasmic 2 heavy chain 1; plus strand). Cytogenetic location: 11q22.3.
Variant type: Microsatellite.
Coding change: c.1158_1159dup on transcript NM_001377.3 (MANE Select); coding-DNA positions 1158 to 1159, 2 bases duplicated (TC; older notation c.1158_1159dupTC).
Protein change: p.Gln387fs; shifts the reading frame from glutamine 387.
Molecular consequence: frameshift variant.
Genome position (GRCh38, 1-based): chr11:103,120,712-103,120,713, TC duplicated; duplicating any 2 consecutive bases within chr11:103,120,710-103,120,713 gives the same sequence; the c. name uses the placement nearest the transcript's 3' end. VCF-style (leftmost placement, unchanged base first): chr11-103120709-G-GTC. GRCh37 (hg19) VCF-style: chr11-102991438-G-GTC.
Other names: c.1158_1159dup, p.Gln387fs (NM_001080463.2); short protein forms Q387fs.
Identifiers: ClinVar variation 5015308 (VCV005015308.1).